The following is an entry in ClinVar:

NM_016341.4(PLCE1):c.2214G>T (p.Glu738Asp)

Gene: PLCE1 (phospholipase C epsilon 1; plus strand). Cytogenetic location: 10q23.33.
Variant type: single nucleotide variant.
Coding change: c.2214G>T on transcript NM_016341.4 (MANE Select); coding-DNA position 2214, G replaced by T.
Protein change: p.Glu738Asp; replaces glutamic acid 738 with aspartic acid.
Molecular consequence: missense variant.
Genome position (GRCh38, 1-based): chr10:94,234,312, G>T. VCF-style: chr10-94234312-G-T. GRCh37 (hg19) VCF-style: chr10-95994069-G-T.
Other names: c.1290G>T, p.Glu430Asp (NM_001165979.2); c.2214G>T, p.Glu738Asp (NM_001288989.2); short protein forms E430D, E738D.
Identifiers: ClinVar variation 1972695 (VCV001972695.5), dbSNP rs1454663268, ClinGen allele CA377639370.

ClinVar aggregate classification (germline): Uncertain significance (1 of 4 stars; one submission).

gnomAD v4.1: 1 of 1,613,838 alleles (0.000062%); highest among the groups gnomAD compares: Admixed American, 0.0017%; no homozygotes.

Submission:

Labcorp Genetics (formerly Invitae), Labcorp
Classification: Uncertain significance. Last evaluated: 2024-04-16. Review status: criteria provided, single submitter. Criteria: Invitae Variant Classification Sherloc (09022015). Collection method: clinical testing. Allele origin: germline.
Comment: This sequence change replaces glutamic acid, which is acidic and polar, with aspartic acid, which is acidic and polar, at codon 738 of the PLCE1 protein (p.Glu738Asp). This variant also falls at the last nucleotide of exon 6, which is part of the consensus splice site for this exon. This variant is not present in population databases (gnomAD no frequency). This variant has not been reported in the literature in individuals affected with PLCE1-related conditions. ClinVar contains an entry for this variant (Variation ID: 1972695). An algorithm developed to predict the effect of missense changes on protein structure and function (PolyPhen-2) suggests that this variant is likely to be disruptive. Variants that disrupt the consensus splice site are a relatively common cause of aberrant splicing (PMID: 17576681, 9536098). Algorithms developed to predict the effect of sequence changes on RNA splicing suggest that this variant may disrupt the consensus splice site. In summary, the available evidence is currently insufficient to determine the role of this variant in disease. Therefore, it has been classified as a Variant of Uncertain Significance.

Literature cited by the submitters: PubMed 17576681; PubMed 9536098.